The following is an entry in ClinVar:

ClinVar aggregate classification (germline): Conflicting classifications of pathogenicity. Review status: criteria provided, conflicting classifications (1 of 4 stars). 8 submissions from 7 submitters: Uncertain significance (2); Benign (1); Likely benign (4). 1 of the submissions does not count toward it. Last evaluated 2026-01-05.

Conditions:
LHCGR-related disorder. Also called: LHCGR-related condition.
Leydig cell agenesis. Also called: Leydig cell hypoplasia, type 1; LEYDIG CELL HYPOPLASIA WITH MALE PSEUDOHERMAPHRODITISM; LEYDIG CELL HYPOPLASIA, COMPLETE; HYPERGONADOTROPIC HYPOGONADISM, MALE, DUE TO LHCGR DEFECT. Identifiers: MedGen C0266432, MONDO:0009384, OMIM 238320.
Gonadotropin-independent familial sexual precocity. Also called: TESTOTOXICOSIS, FAMILIAL; Familial male-limited precocious puberty. Identifiers: Orphanet 3000, MedGen C0342549, MONDO:0008303, OMIM 176410.

Allele frequency attached by ClinVar (database versions not stated): ESP Exome Variant Server 0.00161; TOPMed 0.00164.
gnomAD v4.1: 2,943 of 1,613,278 alleles (0.18%); highest among the groups gnomAD compares: Non-Finnish European, 0.21%; 8 homozygotes.

Submissions (8):

Labcorp Genetics (formerly Invitae), Labcorp
Classification: Likely benign. Last evaluated: 2026-01-05. Review status: criteria provided, single submitter. Criteria: Invitae Variant Classification Sherloc (09022015). Collection method: clinical testing. Allele origin: germline.

CeGaT Center for Human Genetics Tuebingen
Classification: Likely benign. Last evaluated: 2025-11-01. Review status: criteria provided, single submitter. Criteria: CeGaT Center For Human Genetics Tuebingen Variant Classification Criteria Version 2. Collection method: clinical testing. Allele origin: germline. Affected: yes. Observed: 2 variant alleles.
Comment: LHCGR: BS2

Blueprint Genetics
Classification: Likely benign. Last evaluated: 2024-11-25. Review status: criteria provided, single submitter. Criteria: ACMG Guidelines, 2015. Collection method: clinical testing. Allele origin: germline.

GeneDx
Classification: Uncertain significance. Last evaluated: 2024-05-01. Review status: criteria provided, single submitter. Criteria: GeneDx Variant Classification Process June 2021. Collection method: clinical testing. Allele origin: germline. Affected: yes.
Comment: Identified as heterozygous in a patient with complete androgen insensitivity syndrome in published literature (PMID: 35432193); In silico analysis supports that this missense variant has a deleterious effect on protein structure/function; This variant is associated with the following publications: (PMID: 35432193)

Genetic Services Laboratory, University of Chicago
Classification: Likely benign. Last evaluated: 2018-12-13. Review status: criteria provided, single submitter. Criteria: ACMG Guidelines, 2015. Collection method: clinical testing. Allele origin: germline. Affected: no.

Illumina Laboratory Services, Illumina
Classification: Uncertain significance for Leydig cell agenesis. Last evaluated: 2018-01-13. Review status: criteria provided, single submitter. Criteria: ICSL Variant Classification Criteria 13 December 2019. Collection method: clinical testing. Allele origin: germline.

Illumina Laboratory Services, Illumina
Classification: Benign for Gonadotropin-independent familial sexual precocity. Last evaluated: 2018-01-13. Review status: criteria provided, single submitter. Criteria: ICSL Variant Classification Criteria 13 December 2019. Collection method: clinical testing. Allele origin: germline.
Comment: This variant was observed in the ICSL laboratory as part of a predisposition screen in an ostensibly healthy population. It had not been previously curated by ICSL or reported in the Human Gene Mutation Database (HGMD: prior to June 1st, 2018), and was therefore a candidate for classification through an automated scoring system. Utilizing variant allele frequency, disease prevalence and penetrance estimates, and inheritance mode, an automated score was calculated to assess if this variant is too frequent to cause the disease. Based on the score and internal cut-off values, a variant classified as benign is not then subjected to further curation. The score for this variant resulted in a classification of benign for this disease.

PreventionGenetics, part of Exact Sciences
Classification: Likely benign for LHCGR-related condition. Last evaluated: 2020-10-06. Review status: no assertion criteria provided. Collection method: clinical testing. Allele origin: germline. Not counted in ClinVar's aggregate classification.
Comment: This variant is classified as likely benign based on ACMG/AMP sequence variant interpretation guidelines (Richards et al. 2015 PMID: 25741868, with internal and published modifications).

NM_000233.4(LHCGR):c.337T>A (p.Tyr113Asn)

Genes: LHCGR (luteinizing hormone/choriogonadotropin receptor; minus strand), STON1-GTF2A1L (STON1-GTF2A1L readthrough; plus strand). Cytogenetic location: 2p16.3.
Variant type: single nucleotide variant.
Coding change: c.337T>A on transcript NM_000233.4 (MANE Select); coding-DNA position 337, T replaced by A.
Protein change: p.Tyr113Asn; replaces tyrosine 113 with asparagine.
Molecular consequence: missense variant. On other transcripts: intron variant (1).
Genome position (GRCh38, 1-based): chr2:48,725,722, A>T on the plus strand (T>A on the coding strand, the complement: LHCGR is on the minus strand). VCF-style: chr2-48725722-A-T. GRCh37 (hg19) VCF-style: chr2-48952861-A-T.
Other names: c.3442-50558A>T (NM_001198593.2); short protein forms Y113N.
Identifiers: ClinVar variation 336469 (VCV000336469.48), dbSNP rs140691492, ClinGen allele CA1653360.